The following is an entry in ClinVar:

ClinVar aggregate classification (germline): Conflicting classifications of pathogenicity. Review status: criteria provided, conflicting classifications (1 of 4 stars). 2 submissions from 2 submitters: Pathogenic (1); Uncertain significance (1). Last evaluated 2026-05-27.

Conditions:
Colorectal cancer, hereditary nonpolyposis, type 7. Identifiers: Orphanet 144, MedGen C1858380, MONDO:0013725, OMIM 614385.

gnomAD v4.1: 2 of 1,613,940 alleles (0.00012%); highest among the groups gnomAD compares: Admixed American, 0.0017%; no homozygotes.

Submissions (2):

Ambry Genetics
Classification: Pathogenic. Last evaluated: 2026-05-27. Review status: criteria provided, single submitter. Criteria: Ambry Variant Classification Scheme 2023. Collection method: clinical testing. Allele origin: germline.
Comment: The p.S626* pathogenic mutation (also known as c.1877C>G), located in coding exon 1 of the MLH3 gene, results from a C to G substitution at nucleotide position 1877. This changes the amino acid from a serine to a stop codon within coding exon 1. This variant is considered to be rare based on population cohorts in the Genome Aggregation Database (gnomAD). This alteration is expected to result in loss of function by premature protein truncation or nonsense-mediated mRNA decay. As such, this alteration is interpreted as a disease-causing mutation.

Labcorp Genetics (formerly Invitae), Labcorp
Classification: Uncertain significance for Colorectal cancer, hereditary nonpolyposis, type 7. Last evaluated: 2022-03-04. Review status: criteria provided, single submitter. Criteria: Invitae Variant Classification Sherloc (09022015). Collection method: clinical testing. Allele origin: germline.
Comment: In summary, the available evidence is currently insufficient to determine the role of this variant in disease. Therefore, it has been classified as a Variant of Uncertain Significance. Experimental studies and prediction algorithms are not available or were not evaluated, and the functional significance of this variant is currently unknown. This variant has not been reported in the literature in individuals affected with MLH3-related conditions. This variant is present in population databases (rs370383198, gnomAD 0.003%). This sequence change creates a premature translational stop signal (p.Ser626*) in the MLH3 gene. It is expected to result in an absent or disrupted protein product. However, the current clinical and genetic evidence is not sufficient to establish whether loss-of-function variants in MLH3 cause disease.

NM_001040108.2(MLH3):c.1877C>G (p.Ser626Ter)

Gene: MLH3 (mutL homolog 3; minus strand). Cytogenetic location: 14q24.3.
Variant type: single nucleotide variant.
Coding change: c.1877C>G on transcript NM_001040108.2 (MANE Select); coding-DNA position 1877, C replaced by G.
Protein change: p.Ser626Ter; replaces serine 626 with a stop codon.
Molecular consequence: nonsense.
Genome position (GRCh38, 1-based): chr14:75,047,779, G>C on the plus strand (C>G on the coding strand, the complement: MLH3 is on the minus strand). VCF-style: chr14-75047779-G-C. GRCh37 (hg19) VCF-style: chr14-75514482-G-C.
Other names: c.1877C>G, p.Ser626Ter (NM_014381.3); short protein forms S626*.
Identifiers: ClinVar variation 2158447 (VCV002158447.6), dbSNP rs370383198, ClinGen allele CA7275802.
Genomic context (GRCh38, chr14:75,047,779, plus strand): 5'-GTTCTATTTCCAAATGTTTCTTGGGCACGTGTGGGACCAGGTCTAACATAATTTTTAAAT[G>C]AATGTTCTGTTTCAGTTGATTTAGTTTTTTCATTTTGTACTACATGAGTTATAAAGCCAG-3'